The following is an entry in ClinVar:

ClinVar aggregate classification (germline): Benign (1 of 4 stars; one submission).

Allele frequency attached by ClinVar (database versions not stated): 1000 Genomes Project 0.00220; 1000 Genomes Project 30x 0.00250; ESP Exome Variant Server 0.01107.
gnomAD v4.1: 21,416 of 1,614,002 alleles (1.3%); highest among the groups gnomAD compares: Non-Finnish European, 1.6%; 176 homozygotes.

Submission:

CeGaT Center for Human Genetics Tuebingen
Classification: Benign. Last evaluated: 2024-03-01. Review status: criteria provided, single submitter. Criteria: CeGaT Center For Human Genetics Tuebingen Variant Classification Criteria Version 2. Collection method: clinical testing. Allele origin: germline. Affected: yes. Observed: 2 variant alleles.
Comment: NUAK2: BP4, BP7, BS1, BS2

NM_030952.3(NUAK2):c.1425C>T (p.Gly475=)

Gene: NUAK2 (NUAK family kinase 2; minus strand). Cytogenetic location: 1q32.1.
Variant type: single nucleotide variant.
Coding change: c.1425C>T on transcript NM_030952.3 (MANE Select); coding-DNA position 1425, C replaced by T.
Protein change: p.Gly475=; no amino-acid change (glycine 475 retained).
Molecular consequence: synonymous variant.
Genome position (GRCh38, 1-based): chr1:205,303,912, G>A on the plus strand (C>T on the coding strand, the complement: NUAK2 is on the minus strand). VCF-style: chr1-205303912-G-A. GRCh37 (hg19) VCF-style: chr1-205273040-G-A.
Identifiers: ClinVar variation 2639850 (VCV002639850.24), dbSNP rs56069742, ClinGen allele CA1353827.